The following is an entry in ClinVar:

NM_207122.2(EXT2):c.1527A>G (p.Leu509=)

Gene: EXT2 (exostosin glycosyltransferase 2; plus strand). Cytogenetic location: 11p11.2.
Variant type: single nucleotide variant.
Coding change: c.1527A>G on transcript NM_207122.2 (MANE Select); coding-DNA position 1527, A replaced by G.
Protein change: p.Leu509=; no amino-acid change (leucine 509 retained).
Molecular consequence: synonymous variant.
Genome position (GRCh38, 1-based): chr11:44,206,824, A>G. VCF-style: chr11-44206824-A-G. GRCh37 (hg19) VCF-style: chr11-44228374-A-G.
Other names: c.1626A>G, p.Leu542= (NM_000401.3); c.1557A>G, p.Leu519= (NM_001178083.3); c.1527A>G, p.Leu509= (NM_001389628.1, NM_001389630.1).
Identifiers: ClinVar variation 772195 (VCV000772195.12), dbSNP rs145649534, ClinGen allele CA5955292.

ClinVar aggregate classification (germline): Likely benign. Review status: criteria provided, multiple submitters, no conflicts (2 of 4 stars). 4 submissions from 4 submitters: Likely benign (4). Last evaluated 2026-07-01.

Conditions:
Seizures-scoliosis-macrocephaly syndrome. Also called: SEIZURES, SCOLIOSIS, AND MACROCEPHALY/MICROCEPHALY SYNDROME; Seizures, scoliosis, and macrocephaly syndrome. Identifiers: Orphanet 466926, MedGen C4225248, MONDO:0014731, OMIM 616682.
Exostoses, multiple, type 2 (EXT2). Also called: Hereditary Multiple Osteochondromatosis, Type II; EXOSTOSES, MULTIPLE, TYPE II. Identifiers: Orphanet 321, MedGen C1851413, MONDO:0007586, OMIM 133701.

Allele frequency attached by ClinVar (database versions not stated): gnomAD exomes 0.00006 and 0.00011; ExAC 0.00009; 1000 Genomes Project 30x 0.00016; 1000 Genomes Project 0.00020; TOPMed 0.00032; gnomAD 0.00036 and 0.00039; ESP Exome Variant Server 0.00046.
gnomAD v4.1: 140 of 1,614,058 alleles (0.0087%); highest among the groups gnomAD compares: African/African-American, 0.12%; no homozygotes.

Submissions (4):

CeGaT Center for Human Genetics Tuebingen
Classification: Likely benign. Last evaluated: 2026-07-01. Review status: criteria provided, single submitter. Criteria: CeGaT Center For Human Genetics Tuebingen Variant Classification Criteria Version 2. Collection method: clinical testing. Allele origin: germline. Affected: yes. Observed: 1 variant allele.
Comment: EXT2: BP4, BP7

Labcorp Genetics (formerly Invitae), Labcorp
Classification: Likely benign for Exostoses, multiple, type 2. Last evaluated: 2025-12-29. Review status: criteria provided, single submitter. Criteria: Invitae Variant Classification Sherloc (09022015). Collection method: clinical testing. Allele origin: germline.

Blueprint Genetics
Classification: Likely benign. Last evaluated: 2021-09-07. Review status: criteria provided, single submitter. Criteria: ACMG Guidelines, 2015. Collection method: clinical testing. Allele origin: germline.

Fulgent Genetics
Classification: Likely benign for Exostoses, multiple, type 2; Seizures-scoliosis-macrocephaly syndrome. Last evaluated: 2021-08-26. Review status: criteria provided, single submitter. Criteria: ACMG Guidelines, 2015. Collection method: clinical testing. Allele origin: unknown.